The following is an entry in ClinVar:

ClinVar aggregate classification (germline): Likely benign. Review status: criteria provided, multiple submitters, no conflicts (2 of 4 stars). 2 submissions from 2 submitters: Likely benign (2). Last evaluated 2022-07-01.

gnomAD v4.1: 28 of 1,614,030 alleles (0.0017%); highest among the groups gnomAD compares: South Asian, 0.012%; no homozygotes.

Submissions (2):

CeGaT Center for Human Genetics Tuebingen
Classification: Likely benign. Last evaluated: 2022-07-01. Review status: criteria provided, single submitter. Criteria: CeGaT Center For Human Genetics Tuebingen Variant Classification Criteria Version 2. Collection method: clinical testing. Allele origin: germline. Affected: yes. Observed: 1 variant allele.
Comment: HIVEP1: BP4

Ambry Genetics
Classification: Likely benign. Last evaluated: 2021-12-03. Review status: criteria provided, single submitter. Criteria: Ambry Variant Classification Scheme 2023. Collection method: clinical testing. Allele origin: germline.

NM_002114.4(HIVEP1):c.7823G>A (p.Arg2608Gln)

Gene: HIVEP1 (HIVEP zinc finger 1; plus strand). Cytogenetic location: 6p24.1.
Variant type: single nucleotide variant.
Coding change: c.7823G>A on transcript NM_002114.4 (MANE Select); coding-DNA position 7823, G replaced by A.
Protein change: p.Arg2608Gln; replaces arginine 2608 with glutamine.
Molecular consequence: missense variant.
Genome position (GRCh38, 1-based): chr6:12,164,127, G>A. VCF-style: chr6-12164127-G-A. GRCh37 (hg19) VCF-style: chr6-12164360-G-A.
Other names: short protein forms R2608Q.
Identifiers: ClinVar variation 2411358 (VCV002411358.26), dbSNP rs376448475, ClinGen allele CA3638471.